The following is an entry in ClinVar:

ClinVar aggregate classification (germline): Uncertain significance (1 of 4 stars; one submission).

Allele frequency attached by ClinVar (database versions not stated): TOPMed 0.00001.
gnomAD v4.1: 1 of 1,614,098 alleles (0.000062%); no homozygotes.

Submission:

Labcorp Genetics (formerly Invitae), Labcorp
Classification: Uncertain significance. Last evaluated: 2022-02-27. Review status: criteria provided, single submitter. Criteria: Invitae Variant Classification Sherloc (09022015). Collection method: clinical testing. Allele origin: germline.
Comment: In summary, the available evidence is currently insufficient to determine the role of this variant in disease. Therefore, it has been classified as a Variant of Uncertain Significance. Algorithms developed to predict the effect of missense changes on protein structure and function (SIFT, PolyPhen-2, Align-GVGD) all suggest that this variant is likely to be tolerated. This variant has not been reported in the literature in individuals affected with HTRA1-related conditions. This variant is not present in population databases (gnomAD no frequency). This sequence change replaces methionine, which is neutral and non-polar, with threonine, which is neutral and polar, at codon 460 of the HTRA1 protein (p.Met460Thr).

NM_002775.5(HTRA1):c.1379T>C (p.Met460Thr)

Gene: HTRA1 (HtrA serine peptidase 1; plus strand). Cytogenetic location: 10q26.13.
Variant type: single nucleotide variant.
Coding change: c.1379T>C on transcript NM_002775.5 (MANE Select); coding-DNA position 1379, T replaced by C.
Protein change: p.Met460Thr; replaces methionine 460 with threonine.
Molecular consequence: missense variant.
Genome position (GRCh38, 1-based): chr10:122,514,295, T>C. VCF-style: chr10-122514295-T-C. GRCh37 (hg19) VCF-style: chr10-124273811-T-C.
Other names: short protein forms M460T.
Identifiers: ClinVar variation 2037779 (VCV002037779.4), dbSNP rs2097506966, ClinGen allele CA378590208.